The following is an entry in ClinVar:

ClinVar aggregate classification (germline): Uncertain significance. Review status: criteria provided, multiple submitters, no conflicts (2 of 4 stars). 2 submissions from 2 submitters: Uncertain significance (2). Last evaluated 2025-10-29.

Conditions:
Short-rib thoracic dysplasia 6 with or without polydactyly (SRTD6). Also called: POLYDACTYLY WITH NEONATAL CHONDRODYSTROPHY, TYPE II; SHORT RIB-POLYDACTYLY SYNDROME, TYPE IIA; Majewski Syndrome; SHORT-RIB THORACIC DYSPLASIA 6 WITH POLYDACTYLY; SHORT-RIB THORACIC DYSPLASIA 6 WITHOUT POLYDACTYLY. Identifiers: MedGen C0024507, MONDO:0009894, OMIM 263520.
Inborn genetic diseases. Identifiers: MedGen C0950123, MeSH D030342.

Allele frequency attached by ClinVar (database versions not stated): gnomAD exomes below 0.00001.
gnomAD v4.1: 7 of 1,587,638 alleles (0.00044%); highest among the groups gnomAD compares: Non-Finnish European, 0.00051%; no homozygotes.

Submissions (2):

Ambry Genetics
Classification: Uncertain significance for Inborn genetic diseases. Last evaluated: 2025-10-29. Review status: criteria provided, single submitter. Criteria: Ambry Variant Classification Scheme 2023. Collection method: clinical testing. Allele origin: germline.

Labcorp Genetics (formerly Invitae), Labcorp
Classification: Uncertain significance for Short-rib thoracic dysplasia 6 with or without polydactyly. Last evaluated: 2023-05-23. Review status: criteria provided, single submitter. Criteria: Invitae Variant Classification Sherloc (09022015). Collection method: clinical testing. Allele origin: germline.
Comment: This variant has not been reported in the literature in individuals affected with NEK1-related conditions. In summary, the available evidence is currently insufficient to determine the role of this variant in disease. Therefore, it has been classified as a Variant of Uncertain Significance. Advanced modeling of protein sequence and biophysical properties (such as structural, functional, and spatial information, amino acid conservation, physicochemical variation, residue mobility, and thermodynamic stability) performed at Invitae indicates that this missense variant is not expected to disrupt NEK1 protein function. This variant is not present in population databases (gnomAD no frequency). This sequence change replaces glycine, which is neutral and non-polar, with serine, which is neutral and polar, at codon 1171 of the NEK1 protein (p.Gly1171Ser).

NM_001199397.3(NEK1):c.3595G>A (p.Gly1199Ser)

Gene: NEK1 (NIMA related kinase 1; minus strand). Cytogenetic location: 4q33.
Variant type: single nucleotide variant.
Coding change: c.3595G>A on transcript NM_001199397.3 (MANE Select); coding-DNA position 3595, G replaced by A.
Protein change: p.Gly1199Ser; replaces glycine 1199 with serine.
Molecular consequence: missense variant. On other transcripts: non-coding transcript variant (1).
Genome position (GRCh38, 1-based): chr4:169,400,640, C>T on the plus strand (G>A on the coding strand, the complement: NEK1 is on the minus strand). VCF-style: chr4-169400640-C-T. GRCh37 (hg19) VCF-style: chr4-170321791-C-T.
Other names: c.3511G>A (NM_012224.2); c.3463G>A, p.Gly1155Ser (NM_001199398.3); c.3304G>A, p.Gly1102Ser (NM_001199399.3); c.3379G>A, p.Gly1127Ser (NM_001199400.3); c.3595G>A, p.Gly1199Ser (NM_001374418.1); c.3511G>A, p.Gly1171Ser (NM_001374419.1, NM_012224.4); c.3460G>A, p.Gly1154Ser (NM_001374420.1); c.3112G>A, p.Gly1038Ser (NM_001374421.1); short protein forms G1127S, G1154S, G1155S, G1171S, G1038S, G1102S, G1199S.
Identifiers: ClinVar variation 2966809 (VCV002966809.4), dbSNP rs2477560441, ClinGen allele CA358800231.
Genomic context (GRCh38, chr4:169,400,640, plus strand): 5'-GTCTCAGTTCCTCTAAATGGTTAAAGACACTATCGCATTCACATTCACTAGCAATTTCAC[C>T]ATCACTGTTATCTAAAAAACAAAATTAAAATAGAGATTTGATTTAAAAAGACTGAATAAC-3'
Protein context (NP_001186326.1, residues 1189-1209): NEEWHSDNSD[Gly1199Ser]EIASECECDS